The following is an entry in ClinVar:

NM_000051.4(ATM):c.6529C>A (p.Gln2177Lys)

Genes: ATM (ATM serine/threonine kinase; plus strand), C11orf65 (chromosome 11 open reading frame 65; minus strand). Cytogenetic location: 11q22.3.
Variant type: single nucleotide variant.
Coding change: c.6529C>A on transcript NM_000051.4 (MANE Select); coding-DNA position 6529, C replaced by A.
Protein change: p.Gln2177Lys; replaces glutamine 2177 with lysine.
Molecular consequence: missense variant. On other transcripts: intron variant (2).
Genome position (GRCh38, 1-based): chr11:108,321,377, C>A. VCF-style: chr11-108321377-C-A. GRCh37 (hg19) VCF-style: chr11-108192104-C-A.
Other names: c.6529C>A, p.Gln2177Lys (NM_001351834.2); c.641-12306G>T (NM_001330368.2); c.*39-12306G>T (NM_001351110.2); short protein forms Q2177K.
Identifiers: ClinVar variation 3653562 (VCV003653562.2).
Genomic context (GRCh38, chr11:108,321,377, plus strand): 5'-GAGATGTGTAAGCGCAGCCTTGAGTCTGTGTATTCGCTCTATCCCACACTTAGCAGGTTG[C>A]AGGCCATTGGAGAGCTGGAAAGCATTGGGGAGCTTTTCTCAAGGTATGTAATTCGTATGA-3'
Protein context (NP_000042.3, residues 2167-2187): YSLYPTLSRL[Gln2177Lys]AIGELESIGE

ClinVar aggregate classification (germline): Uncertain significance (1 of 4 stars; one submission).

Conditions:
Ataxia-telangiectasia syndrome (AT). Also called: Ataxia-telangiectasia, complementation group D; AT, COMPLEMENTATION GROUP C; ATAXIA-TELANGIECTASIA, COMPLEMENTATION GROUP A; ATAXIA-TELANGIECTASIA, FRESNO VARIANT; Ataxia-telangiectasia; Ataxia-telangiectasia, complementation group E. Identifiers: Orphanet 100, MedGen C0004135, MONDO:0008840, OMIM 208900.

gnomAD v4.1: 1 of 1,614,178 alleles (0.000062%); highest among the groups gnomAD compares: Non-Finnish European, 0.000085%; no homozygotes.

Submission:

Labcorp Genetics (formerly Invitae), Labcorp
Classification: Uncertain significance for Ataxia-telangiectasia syndrome. Last evaluated: 2024-05-16. Review status: criteria provided, single submitter. Criteria: Invitae Variant Classification Sherloc (09022015). Collection method: clinical testing. Allele origin: germline.
Comment: This sequence change replaces glutamine, which is neutral and polar, with lysine, which is basic and polar, at codon 2177 of the ATM protein (p.Gln2177Lys). This variant is not present in population databases (gnomAD no frequency). This variant has not been reported in the literature in individuals affected with ATM-related conditions. An algorithm developed to predict the effect of missense changes on protein structure and function (PolyPhen-2) suggests that this variant is likely to be disruptive. In summary, the available evidence is currently insufficient to determine the role of this variant in disease. Therefore, it has been classified as a Variant of Uncertain Significance.